The following is an entry in ClinVar:

NM_031433.4(MFRP):c.781G>A (p.Ala261Thr)

Genes: C1QTNF5 (C1q and TNF related 5; minus strand), MFRP (membrane frizzled-related protein; minus strand). Cytogenetic location: 11q23.3.
Variant type: single nucleotide variant.
Coding change: c.781G>A on transcript NM_031433.4 (MANE Select); coding-DNA position 781, G replaced by A.
Protein change: p.Ala261Thr; replaces alanine 261 with threonine.
Molecular consequence: missense variant. On other transcripts: 5 prime UTR variant (1).
Genome position (GRCh38, 1-based): chr11:119,344,749, C>T on the plus strand (G>A on the coding strand, the complement: MFRP is on the minus strand). VCF-style: chr11-119344749-C-T. GRCh37 (hg19) VCF-style: chr11-119215459-C-T.
Other names: c.-1856G>A (NM_015645.5); short protein forms A261T.
Identifiers: ClinVar variation 2088688 (VCV002088688.4), dbSNP rs1950542193, ClinGen allele CA382976921.

ClinVar aggregate classification (germline): Uncertain significance (1 of 4 stars; one submission).

Conditions:
Isolated microphthalmia 5. Also called: Posterior Microphthalmia with Retinitis Pigmentosa, Foveoschisis, and Optic Disc Drusen. Identifiers: Orphanet 251279, MedGen C1970236, MONDO:0012605, OMIM 611040.

Allele frequency attached by ClinVar (database versions not stated): gnomAD exomes 0.00001; TOPMed below 0.00001.
gnomAD v4.1: 6 of 1,614,024 alleles (0.00037%); highest among the groups gnomAD compares: East Asian, 0.0089%; no homozygotes.

Submission:

Labcorp Genetics (formerly Invitae), Labcorp
Classification: Uncertain significance for Isolated microphthalmia 5. Last evaluated: 2022-08-23. Review status: criteria provided, single submitter. Criteria: Invitae Variant Classification Sherloc (09022015). Collection method: clinical testing. Allele origin: germline.
Comment: In summary, the available evidence is currently insufficient to determine the role of this variant in disease. Therefore, it has been classified as a Variant of Uncertain Significance. Algorithms developed to predict the effect of missense changes on protein structure and function (SIFT, PolyPhen-2, Align-GVGD) all suggest that this variant is likely to be tolerated. This variant has not been reported in the literature in individuals affected with MFRP-related conditions. This variant is not present in population databases (gnomAD no frequency). This sequence change replaces alanine, which is neutral and non-polar, with threonine, which is neutral and polar, at codon 261 of the MFRP protein (p.Ala261Thr).